The following is an entry in ClinVar:

NM_004497.3(FOXA3):c.516C>T (p.Asn172=)

Gene: FOXA3 (forkhead box A3; plus strand). Cytogenetic location: 19q13.32.
Variant type: single nucleotide variant.
Coding change: c.516C>T on transcript NM_004497.3 (MANE Select); coding-DNA position 516, C replaced by T.
Protein change: p.Asn172=; no amino-acid change (asparagine 172 retained).
Molecular consequence: synonymous variant.
Genome position (GRCh38, 1-based): chr19:45,872,521, C>T. VCF-style: chr19-45872521-C-T. GRCh37 (hg19) VCF-style: chr19-46375779-C-T.
Identifiers: ClinVar variation 3060822 (VCV003060822.2), dbSNP rs16980091, ClinGen allele CA9524535.

ClinVar aggregate classification (germline): Benign (0 of 4 stars; one submission).

Conditions:
FOXA3-related disorder. Also called: FOXA3-related condition.

Allele frequency attached by ClinVar (database versions not stated): gnomAD exomes 0.11950; ExAC 0.14623; ESP Exome Variant Server 0.15808; gnomAD 0.16772; TOPMed 0.17202; 1000 Genomes Project 30x 0.22642; 1000 Genomes Project 0.23023.

Submission:

PreventionGenetics, part of Exact Sciences
Classification: Benign for FOXA3-related condition. Last evaluated: 2019-11-06. Review status: no assertion criteria provided. Collection method: clinical testing. Allele origin: germline.
Comment: This variant is classified as benign based on ACMG/AMP sequence variant interpretation guidelines (Richards et al. 2015 PMID: 25741868, with internal and published modifications).